The following is an entry in ClinVar:

ClinVar aggregate classification (germline): Uncertain significance (3 of 4 stars; one submission).

Conditions:
Very long chain acyl-CoA dehydrogenase deficiency (ACADVLD). Also called: VLCAD Deficiency; Very Long-Chain Acyl-Coenzyme A Dehydrogenase Deficiency. Identifiers: Orphanet 26793, MedGen C3887523, MONDO:0008723, OMIM 201475.

Submission:

ClinGen ACADVL Variant Curation Expert Panel, ClinGen
Classification: Uncertain significance for Very long chain acyl-CoA dehydrogenase deficiency. Last evaluated: 2022-03-08. Review status: reviewed by expert panel. Criteria: clingen acadvl acmg specifications v1. Collection method: curation. Allele origin: germline. Inheritance: Autosomal recessive inheritance.
Comment: The c.1968A>C variant is predicted to cause a change in the length of the protein due to a stop loss p.(Ter656CysextTer54) (PM4). At least one individual with this variant displayed reduced enzyme assay in leukocytes, which is highly specific for very long chain acyl-CoA dehydrogenase (VLCAD) deficiency (PP4; PMID 27209629). This variant is absent from gnomAD v2.1.1 (PM2_Supporting). In summary, this variant meets the criteria to be classified as a variant of uncertain significance for autosomal recessive VLCAD deficiency based on the ACMG/AMP criteria applied, as specified by the ClinGen ACADVL Variant Curation Expert Panel: PM4, PP4, PM2_Supporting (VCEP specifications v2.0, approved on 09/16/2021).

NM_000018.4(ACADVL):c.1968A>C (p.Ter656Cys)

Gene: ACADVL (acyl-CoA dehydrogenase very long chain; plus strand). Cytogenetic location: 17p13.1.
Variant type: single nucleotide variant.
Coding change: c.1968A>C on transcript NM_000018.4 (MANE Select); coding-DNA position 1968, A replaced by C.
Protein change: p.Ter656Cys.
Molecular consequence: stop lost.
Genome position (GRCh38, 1-based): chr17:7,225,097, A>C. VCF-style: chr17-7225097-A-C. GRCh37 (hg19) VCF-style: chr17-7128416-A-C.
Other names: c.1902A>C, p.Ter634Cys (NM_001033859.3); c.2037A>C, p.Ter679Cys (NM_001270447.2); c.1740A>C, p.Ter580Cys (NM_001270448.2).
Identifiers: ClinVar variation 1707710 (VCV001707710.2), dbSNP rs2508376906, ClinGen allele CA397726277.